The following is an entry in ClinVar:

NM_025009.5(CEP135):c.1405C>T (p.Gln469Ter)

Gene: CEP135 (centrosomal protein 135; plus strand). Cytogenetic location: 4q12.
Variant type: single nucleotide variant.
Coding change: c.1405C>T on transcript NM_025009.5 (MANE Select); coding-DNA position 1405, C replaced by T.
Protein change: p.Gln469Ter; replaces glutamine 469 with a stop codon.
Molecular consequence: nonsense.
Genome position (GRCh38, 1-based): chr4:55,974,901, C>T. VCF-style: chr4-55974901-C-T. GRCh37 (hg19) VCF-style: chr4-56841067-C-T.
Other names: short protein forms Q469*.
Identifiers: ClinVar variation 4813732 (VCV004813732.1).

ClinVar aggregate classification (germline): Pathogenic (1 of 4 stars; one submission).

Conditions:
Microcephaly 8, primary, autosomal recessive. Identifiers: Orphanet 2512, MedGen C3553414, MONDO:0013849, OMIM 614673.

gnomAD v4.1: 6 of 1,613,416 alleles (0.00037%); highest among the groups gnomAD compares: Non-Finnish European, 0.00051%; no homozygotes.

Submission:

Variantyx, Inc.
Classification: Pathogenic for Microcephaly 8, primary, autosomal recessive. Last evaluated: 2025-09-05. Review status: criteria provided, single submitter. Criteria: Variantyx Assertion Criteria 2022. Collection method: clinical testing. Allele origin: germline. Inheritance: Autosomal recessive inheritance. Affected: yes.
Comment: This is a nonsense variant in the CEP135 gene (OMIM: 611423). Pathogenic variants in this gene have been associated with autosomal recessive primary microcephaly 8. This variant introduces a premature termination codon in exon 11 out of 26. It is expected to result in loss of function, which is a known disease mechanism for CEP135 in this disorder (PMID: 22521416, 26657937) (PVS1). This variant has a 0.0005% maximum allele frequency in non-founder control populations (PM2). The clinical symptoms reported for this individual are highly specific for autosomal recessive primary microcephaly 8, which has a limited genetic etiology (PP4). Based on the current evidence, this variant is classified as pathogenic for autosomal recessive primary microcephaly 8.

Literature cited by the submitters: PubMed 22521416; PubMed 26657937.